The following is an entry in ClinVar:

ClinVar aggregate classification (germline): Uncertain significance (1 of 4 stars; one submission).

Submission:

Women's Health and Genetics/Laboratory Corporation of America, LabCorp
Classification: Uncertain significance. Last evaluated: 2018-11-12. Review status: criteria provided, single submitter. Criteria: LabCorp Variant Classification Summary - May 2015. Collection method: clinical testing. Allele origin: germline.
Comment: Variant summary: FBN1 c.5494C>A (p.Arg1832Ser) results in a non-conservative amino acid change located in the EGF-like calcium-binding domain of the encoded protein sequence. Four of five in-silico tools predict a damaging effect of the variant on protein function. The variant was absent in 276960 control chromosomes (gnomAD). The available data on variant occurrences in the general population are insufficient to allow any conclusion about variant significance. To our knowledge, no occurrence of c.5494C>A in individuals affected with Marfan Syndrome and no experimental evidence demonstrating its impact on protein function have been reported. No clinical diagnostic laboratories have submitted clinical-significance assessments for this variant to ClinVar after 2014. Based on the evidence outlined above, the variant was classified as uncertain significance.

NM_000138.5(FBN1):c.5494C>A (p.Arg1832Ser)

Gene: FBN1 (fibrillin 1; minus strand). Cytogenetic location: 15q21.1.
Variant type: single nucleotide variant.
Coding change: c.5494C>A on transcript NM_000138.5 (MANE Select); coding-DNA position 5494, C replaced by A.
Protein change: p.Arg1832Ser; replaces arginine 1832 with serine.
Molecular consequence: missense variant.
Genome position (GRCh38, 1-based): chr15:48,452,613, G>T on the plus strand (C>A on the coding strand, the complement: FBN1 is on the minus strand). VCF-style: chr15-48452613-G-T. GRCh37 (hg19) VCF-style: chr15-48744810-G-T.
Other names: short protein forms R1832S.
Identifiers: ClinVar variation 633216 (VCV000633216.1), dbSNP rs1566900499, ClinGen allele CA392344174.
Genomic context (GRCh38, chr15:48,452,613, plus strand): 5'-ACTACATACCATTGCACTGTCCTGTGGAGGTGAAGCGGTAGCCGGGCTTACAGTCACAGC[G>T]GTAGCTGCCTGCAGTGTTGATGCATTCGGCGTTGCGCTGGCACACTGGGCCGTTCTGACA-3'
Protein context (NP_000129.3, residues 1822-1842): AECINTAGSY[Arg1832Ser]CDCKPGYRFT